The following is an entry in ClinVar:

ClinVar aggregate classification (germline): Uncertain significance. Review status: criteria provided, multiple submitters, no conflicts (2 of 4 stars). 5 submissions from 4 submitters: Uncertain significance (5). Last evaluated 2024-01-11.

Conditions:
Inborn genetic diseases. Identifiers: MedGen C0950123, MeSH D030342.
Autosomal recessive limb-girdle muscular dystrophy type 2F (LGMDR6). Also called: Muscular dystrophy limb-girdle with delta-sarcoglyan deficiency; MUSCULAR DYSTROPHY, LIMB-GIRDLE, AUTOSOMAL RECESSIVE 6. Identifiers: Orphanet 219, MedGen C1832525, MONDO:0011028, OMIM 601287. Disease mechanism: Affects gamma-sarcoglycan and also disrupts the integrity of the entire sarcoglycan complex..
Dilated cardiomyopathy 1L (CMD1L). Identifiers: Orphanet 154, MedGen C1847667, MONDO:0011702, OMIM 606685.

gnomAD v4.1: 1 of 1,611,702 alleles (0.000062%); highest among the groups gnomAD compares: Non-Finnish European, 0.000085%; no homozygotes.

Submissions (5):

Ambry Genetics
Classification: Uncertain significance for Inborn genetic diseases. Last evaluated: 2024-01-11. Review status: criteria provided, single submitter. Criteria: Ambry Variant Classification Scheme 2023. Collection method: clinical testing. Allele origin: germline.
Comment: The p.F139I variant (also known as c.415T>A), located in coding exon 5 of the SGCD gene, results from a T to A substitution at nucleotide position 415. The phenylalanine at codon 139 is replaced by isoleucine, an amino acid with highly similar properties. This amino acid position is conserved. In addition, this alteration is predicted to be deleterious by in silico analysis. Since supporting evidence is limited at this time, the clinical significance of this alteration remains unclear.

Genome-Nilou Lab
Classification: Uncertain significance for Autosomal recessive limb-girdle muscular dystrophy type 2F. Last evaluated: 2023-02-08. Review status: criteria provided, single submitter. Criteria: ACMG Guidelines, 2015. Collection method: clinical testing. Allele origin: germline.

Genome-Nilou Lab
Classification: Uncertain significance for Dilated cardiomyopathy 1L. Last evaluated: 2023-02-08. Review status: criteria provided, single submitter. Criteria: ACMG Guidelines, 2015. Collection method: clinical testing. Allele origin: germline.

Labcorp Genetics (formerly Invitae), Labcorp
Classification: Uncertain significance for Autosomal recessive limb-girdle muscular dystrophy type 2F. Last evaluated: 2021-06-28. Review status: criteria provided, single submitter. Criteria: Invitae Variant Classification Sherloc (09022015). Collection method: clinical testing. Allele origin: germline.
Comment: In summary, the available evidence is currently insufficient to determine the role of this variant in disease. Therefore, it has been classified as a Variant of Uncertain Significance. Algorithms developed to predict the effect of missense changes on protein structure and function are either unavailable or do not agree on the potential impact of this missense change (SIFT: "Deleterious"; PolyPhen-2: "Benign"; Align-GVGD: "Class C0"). This variant has not been reported in the literature in individuals with SGCD-related conditions. ClinVar contains an entry for this variant (Variation ID: 289355). This variant is not present in population databases (ExAC no frequency). This sequence change replaces phenylalanine with isoleucine at codon 139 of the SGCD protein (p.Phe139Ile). The phenylalanine residue is moderately conserved and there is a small physicochemical difference between phenylalanine and isoleucine.

Eurofins Ntd Llc (ga)
Classification: Uncertain significance. Last evaluated: 2016-07-11. Review status: criteria provided, single submitter. Criteria: EGL Classification Definitions 2015. Collection method: clinical testing. Allele origin: germline. Observed: 1 variant allele, 1 heterozygote.

NM_000337.6(SGCD):c.415T>A (p.Phe139Ile)

Gene: SGCD (sarcoglycan delta; plus strand). Cytogenetic location: 5q33.3.
Variant type: single nucleotide variant.
Coding change: c.415T>A on transcript NM_000337.6 (MANE Select); coding-DNA position 415, T replaced by A.
Protein change: p.Phe139Ile; replaces phenylalanine 139 with isoleucine.
Molecular consequence: missense variant.
Genome position (GRCh38, 1-based): chr5:156,594,964, T>A. VCF-style: chr5-156594964-T-A. GRCh37 (hg19) VCF-style: chr5-156021974-T-A.
Other names: c.415T>A (NM_000337.5); c.412T>A, p.Phe138Ile (NM_001128209.2); c.415T>A, p.Phe139Ile (NM_172244.3); short protein forms F139I, F138I.
Identifiers: ClinVar variation 289355 (VCV000289355.14), dbSNP rs886044160, ClinGen allele CA10606421.